The following is an entry in ClinVar:

NM_001378778.1(MPDZ):c.3841G>T (p.Ala1281Ser)

Gene: MPDZ (multiple PDZ domain crumbs cell polarity complex component; minus strand). Cytogenetic location: 9p23.
Variant type: single nucleotide variant.
Coding change: c.3841G>T on transcript NM_001378778.1 (MANE Select); coding-DNA position 3841, G replaced by T.
Protein change: p.Ala1281Ser; replaces alanine 1281 with serine.
Molecular consequence: missense variant.
Genome position (GRCh38, 1-based): chr9:13,140,149, C>A on the plus strand (G>T on the coding strand, the complement: MPDZ is on the minus strand). VCF-style: chr9-13140149-C-A. GRCh37 (hg19) VCF-style: chr9-13140148-C-A.
Other names: c.3841G>T, p.Ala1281Ser (NM_003829.5, NM_001330637.2, NM_001375413.1); c.3742G>T, p.Ala1248Ser (NM_001261406.2, NM_001261407.2, NM_001375416.1 and 3 more transcripts); c.3631G>T, p.Ala1211Ser (NM_001375420.1, NM_001375421.1, NM_001375422.1 and 4 more transcripts); c.3433G>T, p.Ala1145Ser (NM_001375427.1); short protein forms A1248S, A1145S, A1211S, A1281S.
Identifiers: ClinVar variation 1476101 (VCV001476101.6), dbSNP rs2132461139, ClinGen allele CA372949796.

ClinVar aggregate classification (germline): Uncertain significance (1 of 4 stars; one submission).

Submission:

Labcorp Genetics (formerly Invitae), Labcorp
Classification: Uncertain significance. Last evaluated: 2022-10-13. Review status: criteria provided, single submitter. Criteria: Invitae Variant Classification Sherloc (09022015). Collection method: clinical testing. Allele origin: germline.
Comment: This sequence change replaces alanine, which is neutral and non-polar, with serine, which is neutral and polar, at codon 1281 of the MPDZ protein (p.Ala1281Ser). This variant is not present in population databases (gnomAD no frequency). In summary, the available evidence is currently insufficient to determine the role of this variant in disease. Therefore, it has been classified as a Variant of Uncertain Significance. Algorithms developed to predict the effect of missense changes on protein structure and function are either unavailable or do not agree on the potential impact of this missense change (SIFT: "Deleterious"; PolyPhen-2: "Benign"; Align-GVGD: "Class C15"). ClinVar contains an entry for this variant (Variation ID: 1476101). This variant has not been reported in the literature in individuals affected with MPDZ-related conditions.